The following is an entry in ClinVar:

NM_001378414.1(HDAC4):c.661G>A (p.Val221Met)

Gene: HDAC4 (histone deacetylase 4; minus strand). Cytogenetic location: 2q37.3.
Variant type: single nucleotide variant.
Coding change: c.661G>A on transcript NM_001378414.1 (MANE Select); coding-DNA position 661, G replaced by A.
Protein change: p.Val221Met; replaces valine 221 with methionine.
Molecular consequence: missense variant.
Genome position (GRCh38, 1-based): chr2:239,156,724, C>T on the plus strand (G>A on the coding strand, the complement: HDAC4 is on the minus strand). VCF-style: chr2-239156724-C-T. GRCh37 (hg19) VCF-style: chr2-240078420-C-T.
Other names: c.661G>A, p.Val221Met (NM_001378415.1, NM_001378416.1, NM_001378417.1 and 1 more transcripts); short protein forms V221M.
Identifiers: ClinVar variation 3898027 (VCV003898027.1).

ClinVar aggregate classification (germline): Uncertain significance (1 of 4 stars; one submission).

Conditions:
Neurodevelopmental disorder with central hypotonia and dysmorphic facies (NEDCHF). Identifiers: MedGen C5676944, MONDO:0859232, OMIM 619797.

gnomAD v4.1: 1 of 1,614,148 alleles (0.000062%); highest among the groups gnomAD compares: Non-Finnish European, 0.000085%; no homozygotes.

Submission:

Neuberg Centre For Genomic Medicine, NCGM
Classification: Uncertain significance for Neurodevelopmental disorder with central hypotonia and dysmorphic facies. Last evaluated: 2024-02-01. Review status: criteria provided, single submitter. Criteria: ACMG Guidelines, 2015. Collection method: clinical testing. Allele origin: germline. Inheritance: Autosomal dominant inheritance.
Comment: The above variant in HDAC4 gene has not been reported previously as a pathogenic variant nor as a benign variant, to our knowledge.